The following is an entry in ClinVar:

NM_006610.4(MASP2):c.231C>T (p.Val77=)

Gene: MASP2 (MBL associated serine protease 2; minus strand). Cytogenetic location: 1p36.22.
Variant type: single nucleotide variant.
Coding change: c.231C>T on transcript NM_006610.4 (MANE Select); coding-DNA position 231, C replaced by T.
Protein change: p.Val77=; no amino-acid change (valine 77 retained).
Molecular consequence: synonymous variant.
Genome position (GRCh38, 1-based): chr1:11,046,894, G>A on the plus strand (C>T on the coding strand, the complement: MASP2 is on the minus strand). VCF-style: chr1-11046894-G-A. GRCh37 (hg19) VCF-style: chr1-11106951-G-A.
Other names: c.231C>T, p.Val77= (NM_139208.3).
Identifiers: ClinVar variation 291811 (VCV000291811.32), dbSNP rs140239262, ClinGen allele CA587227.
Genomic context (GRCh38, chr1:11,046,894, plus strand): 5'-TACTCCTTGGGGACCCCCCGACCCTGAGAAACCCCAGCCCTCCCGTCCTGACGGCACCTT[G>A]ACGAAGTCGTACTCGCAGAGGTGGGAGAGCTCCAGGTCGAAGTGGGTGAAGTAGAGGCGC-3'
Protein context (NP_006601.2, residues 67-87): ELSHLCEYDF[Val77=]KLSSGAKVLA

ClinVar aggregate classification (germline): Conflicting classifications of pathogenicity. Review status: criteria provided, conflicting classifications (1 of 4 stars). 5 submissions from 5 submitters: Uncertain significance (2); Likely benign (3). Last evaluated 2026-01-23.

Conditions:
Immunodeficiency due to MASP-2 deficiency. Also called: MASP2 deficiency; LECTIN COMPLEMENT ACTIVATION PATHWAY, DEFECT IN, 2. Identifiers: Orphanet 331187, MedGen C3151085, MONDO:0013423, OMIM 613791.

Allele frequency attached by ClinVar (database versions not stated): ESP Exome Variant Server 0.00031; 1000 Genomes Project 0.00040; 1000 Genomes Project 30x 0.00047; gnomAD 0.00058 and 0.00059; gnomAD exomes 0.00062 and 0.00064; TOPMed 0.00091; ExAC 0.00093.

Submissions (5):

Women's Health and Genetics/Laboratory Corporation of America, LabCorp
Classification: Likely benign. Last evaluated: 2026-01-23. Review status: criteria provided, single submitter. Criteria: LabCorp Variant Classification Summary - May 2015. Collection method: clinical testing. Allele origin: germline.

Blueprint Genetics
Classification: Likely benign. Last evaluated: 2024-11-13. Review status: criteria provided, single submitter. Criteria: ACMG Guidelines, 2015. Collection method: clinical testing. Allele origin: germline.

CeGaT Center for Human Genetics Tuebingen
Classification: Likely benign. Last evaluated: 2022-11-01. Review status: criteria provided, single submitter. Criteria: CeGaT Center For Human Genetics Tuebingen Variant Classification Criteria Version 2. Collection method: clinical testing. Allele origin: germline. Affected: yes. Observed: 2 variant alleles.
Comment: MASP2: BP4, BP7

Illumina Laboratory Services, Illumina
Classification: Uncertain significance for Immunodeficiency due to MASP-2 deficiency. Last evaluated: 2018-01-13. Review status: criteria provided, single submitter. Criteria: ICSL Variant Classification Criteria 13 December 2019. Collection method: clinical testing. Allele origin: germline.

Breakthrough Genomics
Classification: Uncertain significance. Review status: criteria provided, single submitter. Criteria: ACMG Guidelines, 2015. Collection method: not provided. Allele origin: germline. Inheritance: Autosomal recessive inheritance. Affected: yes.